The following is an entry in ClinVar:

NM_001330723.2(SNX27):c.1356dup (p.Leu453fs)

Gene: SNX27 (sorting nexin 27; plus strand). Cytogenetic location: 1q21.3.
Variant type: Duplication.
Coding change: c.1356dup on transcript NM_001330723.2 (MANE Select); coding-DNA position 1356, one base duplicated (A; older notation c.1356dupA).
Protein change: p.Leu453fs; shifts the reading frame from leucine 453.
Molecular consequence: frameshift variant.
Genome position (GRCh38, 1-based): chr1:151,692,551, A duplicated; the last of 3 consecutive A bases (chr1:151,692,549-151,692,551); duplicating any one gives the same sequence. VCF-style (leftmost placement, unchanged base first): chr1-151692548-T-TA. GRCh37 (hg19) VCF-style: chr1-151665024-T-TA.
Other names: c.1356dup, p.Leu453fs (NM_030918.6); c.1356dupA (NM_030918.5); short protein forms L453fs.
Identifiers: ClinVar variation 462810 (VCV000462810.7), dbSNP rs1553266166, ClinGen allele CA658656957.

ClinVar aggregate classification (germline): Pathogenic (1 of 4 stars; one submission).

Conditions:
Severe myoclonic epilepsy in infancy (DRVT). Also called: Dravet syndrome; Epileptic encephalopathy, early infantile, 6 (Dravet syndrome); SEVERE MYOCLONIC EPILEPSY OF INFANCY; DEVELOPMENTAL AND EPILEPTIC ENCEPHALOPATHY 6A; Severe Myoclonic Epilepsy in Infancy (SMEI). Identifiers: Orphanet 33069, MedGen C0751122, MONDO:0100135, OMIM 607208.

Submission:

Labcorp Genetics (formerly Invitae), Labcorp
Classification: Pathogenic for Severe myoclonic epilepsy in infancy. Last evaluated: 2017-07-06. Review status: criteria provided, single submitter. Criteria: Invitae Variant Classification Sherloc (09022015). Collection method: clinical testing. Allele origin: germline.
Comment: For these reasons, this variant has been classified as Pathogenic. Loss-of-function variants in SNX27 are known to be pathogenic (PMID: 25894286). This variant has not been reported in the literature in individuals with SNX27-related disease. This variant is not present in population databases (ExAC no frequency). This sequence change creates a premature translational stop signal (p.Leu453Thrfs*6) in the SNX27 gene. It is expected to result in an absent or disrupted protein product.

Literature cited by the submitters: PubMed 25894286.